The following is an entry in ClinVar:

ClinVar aggregate classification (germline): Uncertain significance (1 of 4 stars; one submission).

gnomAD v4.1: 2 of 1,614,036 alleles (0.00012%); highest among the groups gnomAD compares: Non-Finnish European, 0.00017%; no homozygotes.

Submission:

Labcorp Genetics (formerly Invitae), Labcorp
Classification: Uncertain significance. Last evaluated: 2025-10-30. Review status: criteria provided, single submitter. Criteria: Invitae Variant Classification Sherloc (09022015). Collection method: clinical testing. Allele origin: germline.
Comment: This sequence change replaces valine, which is neutral and non-polar, with isoleucine, which is neutral and non-polar, at codon 478 of the TRIP12 protein (p.Val478Ile). This variant is not present in population databases (gnomAD no frequency). This variant has not been reported in the literature in individuals affected with TRIP12-related conditions. An algorithm developed to predict the effect of missense changes on protein structure and function (PolyPhen-2) suggests that this variant is likely to be tolerated. In summary, the available evidence is currently insufficient to determine the role of this variant in disease. Therefore, it has been classified as a Variant of Uncertain Significance.

NM_001348323.3(TRIP12):c.1576G>A (p.Val526Ile)

Gene: TRIP12 (thyroid hormone receptor interactor 12; minus strand). Cytogenetic location: 2q36.3.
Variant type: single nucleotide variant.
Coding change: c.1576G>A on transcript NM_001348323.3 (MANE Select); coding-DNA position 1576, G replaced by A.
Protein change: p.Val526Ile; replaces valine 526 with isoleucine.
Molecular consequence: missense variant.
Genome position (GRCh38, 1-based): chr2:229,818,387, C>T on the plus strand (G>A on the coding strand, the complement: TRIP12 is on the minus strand). VCF-style: chr2-229818387-C-T. GRCh37 (hg19) VCF-style: chr2-230683103-C-T.
Other names: c.1576G>A, p.Val526Ile (NM_001284214.2, NM_001348324.2, NM_001348325.2 and 11 more transcripts); c.1450G>A, p.Val484Ile (NM_001348331.1, NM_001284215.2, NM_001348316.2 and 2 more transcripts); c.541G>A, p.Val181Ile (NM_001284216.2); c.1489G>A, p.Val497Ile (NM_001348332.1); c.1432G>A, p.Val478Ile (NM_004238.3); short protein forms V497I, V181I, V484I, V478I, V526I.
Identifiers: ClinVar variation 4778606 (VCV004778606.1).